The following is an entry in ClinVar:

NM_032520.5(GNPTG):c.88_90delinsTT (p.Val30fs)

Genes: GNPTG (N-acetylglucosamine-1-phosphate transferase subunit gamma; plus strand), LOC130058158 (ATAC-STARR-seq lymphoblastoid silent region 6972; plus strand). Cytogenetic location: 16p13.3.
Variant type: Indel.
Coding change: c.88_90delinsTT on transcript NM_032520.5 (MANE Select); coding-DNA positions 88 to 90, GTG replaced by TT.
Protein change: p.Val30fs; shifts the reading frame from valine 30.
Molecular consequence: frameshift variant.
Genome position (GRCh38, 1-based): chr16:1,352,137-1,352,139, GTG replaced by TT. VCF-style: chr16-1352137-GTG-TT. GRCh37 (hg19) VCF-style: chr16-1402138-GTG-TT.
Other names: short protein forms V30fs.
Identifiers: ClinVar variation 1725961 (VCV001725961.2), dbSNP rs1335120510, ClinGen allele CA2580090425.
Genomic context (GRCh38, chr16:1,352,137, plus strand): 5'-CCGCTCACGGTCTCGCTCCCCGTAGGGCCCGCGCCGGCAGGTGCAGCGAAGATGAAGGTG[GTG>TT]GAGGAGCCCAACGCGTTTGGGTGAGCAGCCTCGCGGGCTGGCGGCTCGAGCGGGGGACGG-3'

ClinVar aggregate classification (germline): Likely pathogenic (1 of 4 stars; one submission).

Conditions:
GNPTG-mucolipidosis. Also called: ML III GAMMA; ML IIIC; MUCOLIPIDOSIS III, COMPLEMENTATION GROUP C; MUCOLIPIDOSIS III, IRANIAN VARIANT FORM; MUCOLIPIDOSIS III, VARIANT FORM; Mucolipidosis type III gamma. Identifiers: Orphanet 423470, Orphanet 577, MedGen C1854896, MONDO:0009652, OMIM 252605.

Submission:

Myriad Genetics, Inc.
Classification: Likely pathogenic for GNPTG-mucolipidosis. Last evaluated: 2022-04-23. Review status: criteria provided, single submitter. Criteria: Myriad Women's Health Autosomal Recessive and X-Linked Classification Criteria (2021). Collection method: clinical testing. Allele origin: unknown.
Comment: NM_032520.4(GNPTG):c.88_90delGTGinsTT(V30Lfs*9) is expected to be pathogenic in the context of mucolipidosis III gamma. This variant is predicted to lead to an abnormal or absent protein product due to the creation of a premature termination codon in GNPTG, a gene where loss-of-function variants are known to be pathogenic. Please note: this variant was assessed in the context of healthy population screening.